The following is an entry in ClinVar:

ClinVar aggregate classification (germline): Uncertain significance. Review status: criteria provided, multiple submitters, no conflicts (2 of 4 stars). 3 submissions from 3 submitters: Uncertain significance (3). Last evaluated 2025-11-13.

Conditions:
ITPR1-related disorder. Also called: ITPR1-related condition.
Inborn genetic diseases. Identifiers: MedGen C0950123, MeSH D030342.

Allele frequency attached by ClinVar (database versions not stated): ExAC 0.00002; gnomAD 0.00002; TOPMed 0.00002.
gnomAD v4.1: 33 of 1,589,782 alleles (0.0021%); highest among the groups gnomAD compares: Non-Finnish European, 0.0026%; no homozygotes.

Submissions (3):

Labcorp Genetics (formerly Invitae), Labcorp
Classification: Uncertain significance. Last evaluated: 2025-11-13. Review status: criteria provided, single submitter. Criteria: Invitae Variant Classification Sherloc (09022015). Collection method: clinical testing. Allele origin: germline.
Comment: This sequence change replaces arginine, which is basic and polar, with cysteine, which is neutral and slightly polar, at codon 659 of the ITPR1 protein (p.Arg659Cys). The frequency data for this variant in the population databases is considered unreliable, as metrics indicate poor data quality at this position in the gnomAD database. This variant has not been reported in the literature in individuals affected with ITPR1-related conditions. ClinVar contains an entry for this variant (Variation ID: 2364299). An algorithm developed to predict the effect of missense changes on protein structure and function (PolyPhen-2) suggests that this variant is likely to be disruptive. In summary, the available evidence is currently insufficient to determine the role of this variant in disease. Therefore, it has been classified as a Variant of Uncertain Significance.

PreventionGenetics, part of Exact Sciences
Classification: Uncertain significance for ITPR1-related condition. Last evaluated: 2025-02-24. Review status: criteria provided, single submitter. Criteria: ACMG Guidelines, 2015. Collection method: clinical testing. Allele origin: germline.
Comment: The ITPR1 c.1975C>T variant is predicted to result in the amino acid substitution p.Arg659Cys. To our knowledge, this variant has not been reported in the literature. This variant is reported in 0.0033% of alleles in individuals of Latino descent in gnomAD. At this time, the clinical significance of this variant is uncertain due to the absence of conclusive functional and genetic evidence.

Ambry Genetics
Classification: Uncertain significance for Inborn genetic diseases. Last evaluated: 2021-12-07. Review status: criteria provided, single submitter. Criteria: Ambry Variant Classification Scheme 2023. Collection method: clinical testing. Allele origin: germline.

NM_001378452.1(ITPR1):c.2020C>T (p.Arg674Cys)

Gene: ITPR1 (inositol 1,4,5-trisphosphate receptor type 1; plus strand). Cytogenetic location: 3p26.1.
Variant type: single nucleotide variant.
Coding change: c.2020C>T on transcript NM_001378452.1 (MANE Select); coding-DNA position 2020, C replaced by T.
Protein change: p.Arg674Cys; replaces arginine 674 with cysteine.
Molecular consequence: missense variant.
Genome position (GRCh38, 1-based): chr3:4,670,742, C>T. VCF-style: chr3-4670742-C-T. GRCh37 (hg19) VCF-style: chr3-4712426-C-T.
Other names: c.2020C>T, p.Arg674Cys (NM_001099952.4); c.1975C>T, p.Arg659Cys (NM_001168272.2, NM_002222.7); short protein forms R659C, R674C.
Identifiers: ClinVar variation 2364299 (VCV002364299.5), dbSNP rs746477115, ClinGen allele CA2231331.